The following is an entry in ClinVar:

NM_000352.6(ABCC8):c.1551C>T (p.Ile517=)

Gene: ABCC8 (ATP binding cassette subfamily C member 8; minus strand). Cytogenetic location: 11p15.1.
Variant type: single nucleotide variant.
Coding change: c.1551C>T on transcript NM_000352.6 (MANE Select); coding-DNA position 1551, C replaced by T.
Protein change: p.Ile517=; no amino-acid change (isoleucine 517 retained).
Molecular consequence: synonymous variant. On other transcripts: non-coding transcript variant (1).
Genome position (GRCh38, 1-based): chr11:17,442,799, G>A on the plus strand (C>T on the coding strand, the complement: ABCC8 is on the minus strand). VCF-style: chr11-17442799-G-A. GRCh37 (hg19) VCF-style: chr11-17464346-G-A.
Other names: c.1551C>T, p.Ile517= (NM_001287174.3, NM_001351295.2); c.1548C>T, p.Ile516= (NM_001351296.2, NM_001351297.2); c.1551C>T (NM_000352.4).
Identifiers: ClinVar variation 1090593 (VCV001090593.10), dbSNP rs1279186188, ClinGen allele CA473298490.

ClinVar aggregate classification (germline): Likely benign. Review status: criteria provided, multiple submitters, no conflicts (2 of 4 stars). 2 submissions from 2 submitters: Likely benign (2). Last evaluated 2024-12-29.

Conditions:
ABCC8-related disorder.

Allele frequency attached by ClinVar (database versions not stated): gnomAD 0.00001; TOPMed 0.00002.
gnomAD v4.1: 12 of 1,614,028 alleles (0.00074%); highest among the groups gnomAD compares: African/African-American, 0.0013%; no homozygotes.

Submissions (2):

PreventionGenetics, part of Exact Sciences
Classification: Likely benign for ABCC8-related condition. Last evaluated: 2024-12-29. Review status: criteria provided, single submitter. Criteria: ACMG Guidelines, 2015. Collection method: clinical testing. Allele origin: germline.
Comment: This variant is classified as likely benign based on ACMG/AMP sequence variant interpretation guidelines (Richards et al. 2015 PMID: 25741868, with internal and published modifications).

Labcorp Genetics (formerly Invitae), Labcorp
Classification: Likely benign. Last evaluated: 2024-09-23. Review status: criteria provided, single submitter. Criteria: Invitae Variant Classification Sherloc (09022015). Collection method: clinical testing. Allele origin: germline.